The following is an entry in ClinVar:

ClinVar aggregate classification (germline): Uncertain significance (1 of 4 stars; one submission).

Conditions:
Loeys-Dietz syndrome (LDS). Identifiers: Orphanet 60030, MedGen C2697932, MONDO:0018954.

Submission:

All of Us Research Program, National Institutes of Health
Classification: Uncertain significance for Loeys-Dietz syndrome. Last evaluated: 2024-04-16. Review status: criteria provided, single submitter. Criteria: ACMG Guidelines, 2015. Collection method: clinical testing. Allele origin: germline. Inheritance: Autosomal dominant inheritance. Observed: 1 variant allele, 1 heterozygote.
Comment: This missense variant replaces leucine with phenylalanine at codon 193 of the TGFBR1 protein. Computational prediction is inconclusive regarding the impact of this variant on protein structure and function (internally defined REVEL score threshold 0.5 < inconclusive < 0.7, PMID: 27666373). To our knowledge, functional studies have not been reported for this variant. This variant has not been reported in individuals affected with TGFBR1-related disorders in the literature. This variant has not been identified in the general population by the Genome Aggregation Database (gnomAD). The available evidence is insufficient to determine the role of this variant in disease conclusively. Therefore, this variant is classified as a Variant of Uncertain Significance.

This study involves interpretation of variants in research participants for the purpose of population health screening. Participant phenotype was not available at the time of variant classification. Additional details can be found in publication PMID: 35346344, PMCID: PMC8962531

NM_004612.4(TGFBR1):c.579A>C (p.Leu193Phe)

Gene: TGFBR1 (transforming growth factor beta receptor 1; plus strand). Cytogenetic location: 9q22.33.
Variant type: single nucleotide variant.
Coding change: c.579A>C on transcript NM_004612.4 (MANE Select); coding-DNA position 579, A replaced by C.
Protein change: p.Leu193Phe; replaces leucine 193 with phenylalanine.
Molecular consequence: missense variant. On other transcripts: non-coding transcript variant (4), intron variant (2).
Genome position (GRCh38, 1-based): chr9:99,137,863, A>C. VCF-style: chr9-99137863-A-C. GRCh37 (hg19) VCF-style: chr9-101900145-A-C.
Other names: c.348A>C, p.Leu116Phe (NM_001130916.3); c.591A>C, p.Leu197Phe (NM_001306210.2, NM_001407416.1); c.579A>C, p.Leu193Phe (NM_001407417.1); c.384A>C, p.Leu128Phe (NM_001407418.1, NM_001407419.1, NM_001407420.1 and 1 more transcripts); c.372A>C, p.Leu124Phe (NM_001407423.1, NM_001407424.1, NM_001407425.1 and 8 more transcripts); c.333A>C, p.Leu111Phe (NM_001407436.1); c.102A>C, p.Leu34Phe (NM_001407438.1); c.575-4673A>C (NM_001407435.1); and 1 more; short protein forms L111F, L116F, L124F, L128F, L193F, L197F, L34F.
Identifiers: ClinVar variation 3386044 (VCV003386044.1).
Genomic context (GRCh38, chr9:99,137,863, plus strand): 5'-GTTTGAAACATGTAATATTGTTGATTGTGTTGAGTACTATTTATTTTTACCTTTAGGTTT[A>C]CCATTGCTTGTTCAGAGAACAATTGCGAGAACTATTGTGTTACAAGAAAGCATTGGCAAA-3'
Protein context (NP_004603.1, residues 183-203): DMTTSGSGSG[Leu193Phe]PLLVQRTIAR